The following is an entry in ClinVar:

ClinVar aggregate classification (germline): Likely benign. Review status: criteria provided, multiple submitters, no conflicts (2 of 4 stars). 4 submissions from 4 submitters: Likely benign (4). Last evaluated 2025-10-14.

Conditions:
HK1-related disorder. Also called: HK1-related condition; HK1-related disorders.
Retinal dystrophy. Also called: Inherited retinal dystrophy. Identifiers: Orphanet 71862, MedGen C0854723, MeSH D058499, MONDO:0019118, HP:0000556.

Allele frequency attached by ClinVar (database versions not stated): ExAC 0.00003; gnomAD 0.00003; TOPMed 0.00003; 1000 Genomes Project 30x 0.00016; 1000 Genomes Project 0.00020.
gnomAD v4.1: 25 of 1,614,132 alleles (0.0015%); highest among the groups gnomAD compares: Middle Eastern, 0.016%; 1 homozygote.

Submissions (4):

Labcorp Genetics (formerly Invitae), Labcorp
Classification: Likely benign. Last evaluated: 2025-10-14. Review status: criteria provided, single submitter. Criteria: Invitae Variant Classification Sherloc (09022015). Collection method: clinical testing. Allele origin: germline.

PreventionGenetics, part of Exact Sciences
Classification: Likely benign for HK1-related condition. Last evaluated: 2025-10-03. Review status: criteria provided, single submitter. Criteria: ACMG Guidelines, 2015. Collection method: clinical testing. Allele origin: germline.
Comment: This variant is classified as likely benign based on ACMG/AMP sequence variant interpretation guidelines (Richards et al. 2015 PMID: 25741868, with internal and published modifications).

Dept Of Ophthalmology, Nagoya University
Classification: Likely benign for Retinal dystrophy. Last evaluated: 2023-10-01. Review status: criteria provided, single submitter. Criteria: Submitter's publication. Collection method: research. Allele origin: germline. Affected: yes.

Blueprint Genetics
Classification: Likely benign. Last evaluated: 2021-02-08. Review status: criteria provided, single submitter. Criteria: ACMG Guidelines, 2015. Collection method: clinical testing. Allele origin: germline.

NM_000188.3(HK1):c.660C>T (p.Asp220=)

Gene: HK1 (hexokinase 1; plus strand). Cytogenetic location: 10q22.1.
Variant type: single nucleotide variant.
Coding change: c.660C>T on transcript NM_000188.3 (MANE Select); coding-DNA position 660, C replaced by T.
Protein change: p.Asp220=; no amino-acid change (aspartic acid 220 retained).
Molecular consequence: synonymous variant.
Genome position (GRCh38, 1-based): chr10:69,369,305, C>T. VCF-style: chr10-69369305-C-T. GRCh37 (hg19) VCF-style: chr10-71129061-C-T.
Other names: c.672C>T, p.Asp224= (NM_001322364.2, NM_001358263.1, NM_033497.3 and 1 more transcripts); c.765C>T, p.Asp255= (NM_001322365.2); c.576C>T, p.Asp192= (NM_001322366.1); c.564C>T, p.Asp188= (NM_001322367.1); c.657C>T, p.Asp219= (NM_033496.3); c.624C>T, p.Asp208= (NM_033500.2); c.660C>T (NM_000188.2).
Identifiers: ClinVar variation 1905077 (VCV001905077.8), dbSNP rs191140928, ClinGen allele CA5532398.